The following is an entry in ClinVar:

ClinVar aggregate classification (germline): Uncertain significance. Review status: criteria provided, multiple submitters, no conflicts (2 of 4 stars). 2 submissions from 2 submitters: Uncertain significance (2). Last evaluated 2023-07-25.

Allele frequency attached by ClinVar (database versions not stated): gnomAD exomes 0.00001; TOPMed 0.00001.
gnomAD v4.1: 3 of 1,614,212 alleles (0.00019%); highest among the groups gnomAD compares: Admixed American, 0.0033%; no homozygotes.

Submissions (2):

Ambry Genetics
Classification: Uncertain significance. Last evaluated: 2023-07-25. Review status: criteria provided, single submitter. Criteria: Ambry Variant Classification Scheme 2023. Collection method: clinical testing. Allele origin: germline.

Labcorp Genetics (formerly Invitae), Labcorp
Classification: Uncertain significance. Last evaluated: 2022-06-19. Review status: criteria provided, single submitter. Criteria: Invitae Variant Classification Sherloc (09022015). Collection method: clinical testing. Allele origin: germline.
Comment: In summary, the available evidence is currently insufficient to determine the role of this variant in disease. Therefore, it has been classified as a Variant of Uncertain Significance. Algorithms developed to predict the effect of missense changes on protein structure and function (SIFT, PolyPhen-2, Align-GVGD) all suggest that this variant is likely to be tolerated. This variant has not been reported in the literature in individuals affected with C2-related conditions. This variant is present in population databases (no rsID available, gnomAD 0.003%). This sequence change replaces glycine, which is neutral and non-polar, with valine, which is neutral and non-polar, at codon 105 of the C2 protein (p.Gly105Val).

NM_000063.6(C2):c.314G>T (p.Gly105Val)

Gene: C2 (complement C2; plus strand). Cytogenetic location: 6p21.33.
Variant type: single nucleotide variant.
Coding change: c.314G>T on transcript NM_000063.6 (MANE Select); coding-DNA position 314, G replaced by T.
Protein change: p.Gly105Val; replaces glycine 105 with valine.
Molecular consequence: missense variant. On other transcripts: genic upstream transcript variant (2), intron variant (1).
Genome position (GRCh38, 1-based): chr6:31,928,789, G>T. VCF-style: chr6-31928789-G-T. GRCh37 (hg19) VCF-style: chr6-31896566-G-T.
Other names: c.227G>T, p.Gly76Val (NM_001282458.2); c.314G>T, p.Gly105Val (NM_001282459.2); c.-63-4821G>T (NM_001282457.2); c.74-4821G>T (NM_001178063.3); c.46+991G>T (NM_001145903.3); short protein forms G76V, G105V.
Identifiers: ClinVar variation 1919395 (VCV001919395.5), dbSNP rs1474850648, ClinGen allele CA363490406.